The following is an entry in ClinVar:

NM_017654.4(SAMD9):c.557G>A (p.Gly186Glu)

Gene: SAMD9 (sterile alpha motif domain containing 9; minus strand). Cytogenetic location: 7q21.2.
Variant type: single nucleotide variant.
Coding change: c.557G>A on transcript NM_017654.4 (MANE Select); coding-DNA position 557, G replaced by A.
Protein change: p.Gly186Glu; replaces glycine 186 with glutamic acid.
Molecular consequence: missense variant.
Genome position (GRCh38, 1-based): chr7:93,105,541, C>T on the plus strand (G>A on the coding strand, the complement: SAMD9 is on the minus strand). VCF-style: chr7-93105541-C-T. GRCh37 (hg19) VCF-style: chr7-92734854-C-T.
Other names: c.557G>A, p.Gly186Glu (NM_001193307.2); short protein forms G186E.
Identifiers: ClinVar variation 4159053 (VCV004159053.1).
Genomic context (GRCh38, chr7:93,105,541, plus strand): 5'-GCTGTTGCTGTATTTGTGAAGGCTTTGAATTCATGTATCGGATCAATGAGATTGCCTGGT[C>T]CTGTTTCAGGCTGTAGACTAAAATCCAACTTGTAACGATATGGATTACTGAATTCATCAA-3'
Protein context (NP_060124.2, residues 176-196): KLDFSLQPET[Gly186Glu]PGNLIDPIHE

ClinVar aggregate classification (germline): Uncertain significance (1 of 4 stars; one submission).

Conditions:
Inborn genetic diseases. Identifiers: MedGen C0950123, MeSH D030342.

gnomAD v4.1: 5 of 1,613,910 alleles (0.00031%); highest among the groups gnomAD compares: Admixed American, 0.0017%; no homozygotes.

Submission:

Ambry Genetics
Classification: Uncertain significance for Inborn genetic diseases. Last evaluated: 2025-06-30. Review status: criteria provided, single submitter. Criteria: Ambry Variant Classification Scheme 2023. Collection method: clinical testing. Allele origin: germline.
Comment: The p.G186E variant (also known as c.557G>A), located in coding exon 1 of the SAMD9 gene, results from a G to A substitution at nucleotide position 557. The glycine at codon 186 is replaced by glutamic acid, an amino acid with similar properties. This amino acid position is conserved. In addition, the in silico prediction for this alteration is inconclusive. Based on the available evidence, the clinical significance of this variant remains unclear.